The following is an entry in ClinVar:

ClinVar aggregate classification (germline): Benign. Review status: criteria provided, multiple submitters, no conflicts (2 of 4 stars). 2 submissions from 2 submitters: Benign (2). Last evaluated 2018-06-14.

Allele frequency attached by ClinVar (database versions not stated): 1000 Genomes Project 30x 0.07355; 1000 Genomes Project 0.07408; TOPMed 0.12666; gnomAD 0.13291 and 0.13557; gnomAD exomes 0.15598.
gnomAD v4.1: 81,301 of 544,312 alleles (15%); highest among the groups gnomAD compares: Non-Finnish European, 19%; 7,284 homozygotes.

Submissions (2):

GeneDx
Classification: Benign. Last evaluated: 2018-06-14. Review status: criteria provided, single submitter. Criteria: GeneDx Variant Classification (06012015). Collection method: clinical testing. Allele origin: germline. Affected: yes.
Comment: This variant is considered likely benign or benign based on one or more of the following criteria: it is a conservative change, it occurs at a poorly conserved position in the protein, it is predicted to be benign by multiple in silico algorithms, and/or has population frequency not consistent with disease.

Breakthrough Genomics
Classification: Benign. Review status: criteria provided, single submitter. Criteria: ACMG Guidelines, 2015. Collection method: not provided. Allele origin: germline. Inheritance: Autosomal recessive inheritance. Affected: yes.

NM_001013703.4(EIF2AK4):c.2632-168T>A

Gene: EIF2AK4 (eukaryotic translation initiation factor 2 alpha kinase 4; plus strand). Cytogenetic location: 15q15.1.
Variant type: single nucleotide variant.
Coding change: c.2632-168T>A on transcript NM_001013703.4 (MANE Select); 168 bases into the intron before coding-DNA position 2632, T replaced by A.
Molecular consequence: intron variant.
Genome position (GRCh38, 1-based): chr15:39,992,007, T>A. VCF-style: chr15-39992007-T-A. GRCh37 (hg19) VCF-style: chr15-40284208-T-A.
Identifiers: ClinVar variation 674666 (VCV000674666.2), dbSNP rs28714278, ClinGen allele CA14130500.
Genomic context (GRCh38, chr15:39,992,007, plus strand): 5'-AAAGAGTTGTACAGTGATTGCCCCCCTCCCTCTTGATTTCATTGGGTTTTCTGAGAGCCT[T>A]GCATTAGTGGGTTAACTAAACTAGAAAAAAAATTAAAACTCAAAGCGTTATTATATTATT-3'